The following is an entry in ClinVar:

ClinVar aggregate classification (germline): Uncertain significance (1 of 4 stars; one submission).

Conditions:
Noonan syndrome 9 (NS9). Identifiers: Orphanet 648, MedGen C4225282, MONDO:0014691, OMIM 616559.

Submission:

Labcorp Genetics (formerly Invitae), Labcorp
Classification: Uncertain significance for Noonan syndrome 9. Last evaluated: 2023-08-11. Review status: criteria provided, single submitter. Criteria: Invitae Variant Classification Sherloc (09022015). Collection method: clinical testing. Allele origin: germline.
Comment: This sequence change replaces arginine, which is basic and polar, with serine, which is neutral and polar, at codon 395 of the SOS2 protein (p.Arg395Ser). This variant is not present in population databases (gnomAD no frequency). This variant has not been reported in the literature in individuals affected with SOS2-related conditions. Advanced modeling of protein sequence and biophysical properties (such as structural, functional, and spatial information, amino acid conservation, physicochemical variation, residue mobility, and thermodynamic stability) performed at Invitae indicates that this missense variant is not expected to disrupt SOS2 protein function. In summary, the available evidence is currently insufficient to determine the role of this variant in disease. Therefore, it has been classified as a Variant of Uncertain Significance.

NM_006939.4(SOS2):c.1185A>C (p.Arg395Ser)

Gene: SOS2 (SOS Ras/Rho guanine nucleotide exchange factor 2; minus strand). Cytogenetic location: 14q21.3.
Variant type: single nucleotide variant.
Coding change: c.1185A>C on transcript NM_006939.4 (MANE Select); coding-DNA position 1185, A replaced by C.
Protein change: p.Arg395Ser; replaces arginine 395 with serine.
Molecular consequence: missense variant.
Genome position (GRCh38, 1-based): chr14:50,161,493, T>G on the plus strand (A>C on the coding strand, the complement: SOS2 is on the minus strand). VCF-style: chr14-50161493-T-G. GRCh37 (hg19) VCF-style: chr14-50628211-T-G.
Other names: c.1086A>C, p.Arg362Ser (NM_001411020.1); short protein forms R362S, R395S.
Identifiers: ClinVar variation 2752226 (VCV002752226.3), dbSNP rs2503002018, ClinGen allele CA389646378.